The following is an entry in ClinVar:

NM_133433.4(NIPBL):c.2006T>A (p.Val669Asp)

Gene: NIPBL (NIPBL cohesin loading factor; plus strand). Cytogenetic location: 5p13.2.
Variant type: single nucleotide variant.
Coding change: c.2006T>A on transcript NM_133433.4 (MANE Select); coding-DNA position 2006, T replaced by A.
Protein change: p.Val669Asp; replaces valine 669 with aspartic acid.
Molecular consequence: missense variant.
Genome position (GRCh38, 1-based): chr5:36,985,186, T>A. VCF-style: chr5-36985186-T-A. GRCh37 (hg19) VCF-style: chr5-36985288-T-A.
Other names: c.2006T>A, p.Val669Asp (NM_015384.5); short protein forms V669D.
Identifiers: ClinVar variation 3688144 (VCV003688144.2).

ClinVar aggregate classification (germline): Uncertain significance (1 of 4 stars; one submission).

Conditions:
Cornelia de Lange syndrome 1 (CDLS1). Also called: TYPUS DEGENERATIVUS AMSTELODAMENSIS; Brachmann de Lange syndrome; NIPBL-Related Cornelia de Lange Syndrome. Identifiers: Orphanet 199, MedGen C4551851, MONDO:0007387, OMIM 122470.

Submission:

Labcorp Genetics (formerly Invitae), Labcorp
Classification: Uncertain significance for Cornelia de Lange syndrome 1. Last evaluated: 2024-09-28. Review status: criteria provided, single submitter. Criteria: Invitae Variant Classification Sherloc (09022015). Collection method: clinical testing. Allele origin: germline.
Comment: This sequence change replaces valine, which is neutral and non-polar, with aspartic acid, which is acidic and polar, at codon 669 of the NIPBL protein (p.Val669Asp). This variant is not present in population databases (gnomAD no frequency). This variant has not been reported in the literature in individuals affected with NIPBL-related conditions. Invitae Evidence Modeling of protein sequence and biophysical properties (such as structural, functional, and spatial information, amino acid conservation, physicochemical variation, residue mobility, and thermodynamic stability) indicates that this missense variant is not expected to disrupt NIPBL protein function with a negative predictive value of 95%. In summary, the available evidence is currently insufficient to determine the role of this variant in disease. Therefore, it has been classified as a Variant of Uncertain Significance.